The following is an entry in ClinVar:

ClinVar aggregate classification (germline): Likely benign (1 of 4 stars; one submission).

Conditions:
Familial cancer of breast. Also called: BREAST CANCER, FAMILIAL; Hereditary breast cancer; hereditary breast carcinoma. Identifiers: Orphanet 227535, MedGen C0346153, MONDO:0016419, OMIM 114480. Disease mechanism: loss of function.

Submission:

Myriad Genetics, Inc.
Classification: Likely benign for Familial cancer of breast. Last evaluated: 2024-05-08. Review status: criteria provided, single submitter. Criteria: Myriad Autosomal Dominant, Autosomal Recessive and X-Linked Classification Criteria (2023). Collection method: clinical testing. Allele origin: unknown.
Comment: This variant is considered likely benign. This variant is intronic and is not expected to impact mRNA splicing.

NM_000051.4(ATM):c.2377-19T>C

Gene: ATM (ATM serine/threonine kinase; plus strand). Cytogenetic location: 11q22.3.
Variant type: single nucleotide variant.
Coding change: c.2377-19T>C on transcript NM_000051.4 (MANE Select); 19 bases into the intron before coding-DNA position 2377, T replaced by C.
Molecular consequence: intron variant.
Genome position (GRCh38, 1-based): chr11:108,258,967, T>C. VCF-style: chr11-108258967-T-C. GRCh37 (hg19) VCF-style: chr11-108129694-T-C.
Other names: c.2377-19T>C (NM_001351834.2).
Identifiers: ClinVar variation 3254040 (VCV003254040.1), dbSNP rs775771700.